The following is an entry in ClinVar:

NM_000528.4(MAN2B1):c.836T>C (p.Val279Ala)

Gene: MAN2B1 (mannosidase alpha class 2B member 1; minus strand). Cytogenetic location: 19p13.13.
Variant type: single nucleotide variant.
Coding change: c.836T>C on transcript NM_000528.4 (MANE Select); coding-DNA position 836, T replaced by C.
Protein change: p.Val279Ala; replaces valine 279 with alanine.
Molecular consequence: missense variant.
Genome position (GRCh38, 1-based): chr19:12,663,390, A>G on the plus strand (T>C on the coding strand, the complement: MAN2B1 is on the minus strand). VCF-style: chr19-12663390-A-G. GRCh37 (hg19) VCF-style: chr19-12774204-A-G.
Other names: c.836T>C, p.Val279Ala (NM_001173498.2); short protein forms V279A.
Identifiers: ClinVar variation 2085201 (VCV002085201.1), dbSNP rs1468152386, ClinGen allele CA404252142.

ClinVar aggregate classification (germline): Uncertain significance (1 of 4 stars; one submission).

Conditions:
Deficiency of alpha-mannosidase (MANSA). Also called: Mannosidosis, alpha-, types I and II; Alpha-Mannosidosis; LYSOSOMAL ALPHA-D-MANNOSIDASE DEFICIENCY. Identifiers: Orphanet 61, MedGen C0024748, MONDO:0009561, OMIM 248500.

Allele frequency attached by ClinVar (database versions not stated): gnomAD 0.00001; TOPMed 0.00001; gnomAD exomes 0.00002.
gnomAD v4.1: 29 of 1,613,938 alleles (0.0018%); highest among the groups gnomAD compares: Non-Finnish European, 0.0025%; no homozygotes.

Submission:

Labcorp Genetics (formerly Invitae), Labcorp
Classification: Uncertain significance for Deficiency of alpha-mannosidase. Last evaluated: 2022-08-07. Review status: criteria provided, single submitter. Criteria: Invitae Variant Classification Sherloc (09022015). Collection method: clinical testing. Allele origin: germline.
Comment: This sequence change replaces valine, which is neutral and non-polar, with alanine, which is neutral and non-polar, at codon 279 of the MAN2B1 protein (p.Val279Ala). This variant is present in population databases (no rsID available, gnomAD 0.0009%). This variant has not been reported in the literature in individuals affected with MAN2B1-related conditions. Algorithms developed to predict the effect of missense changes on protein structure and function are either unavailable or do not agree on the potential impact of this missense change (SIFT: "Tolerated"; PolyPhen-2: "Possibly Damaging"; Align-GVGD: "Class C0"). In summary, the available evidence is currently insufficient to determine the role of this variant in disease. Therefore, it has been classified as a Variant of Uncertain Significance.